The following is an entry in ClinVar:

NM_138694.4(PKHD1):c.1234-5C>T

Gene: PKHD1 (PKHD1 ciliary IPT domain containing fibrocystin/polyductin; minus strand). Cytogenetic location: 6p12.2.
Variant type: single nucleotide variant.
Coding change: c.1234-5C>T on transcript NM_138694.4 (MANE Select); 5 bases into the intron before coding-DNA position 1234, C replaced by T.
Molecular consequence: intron variant.
Genome position (GRCh38, 1-based): chr6:52,058,606, G>A on the plus strand (C>T on the coding strand, the complement: PKHD1 is on the minus strand). VCF-style: chr6-52058606-G-A. GRCh37 (hg19) VCF-style: chr6-51923404-G-A.
Other names: p.?; c.1234-5C>T (NM_170724.3).
Identifiers: ClinVar variation 241841 (VCV000241841.28), dbSNP rs116124750, ClinGen allele CA3853604.

ClinVar aggregate classification (germline): Benign/Likely benign. Review status: criteria provided, multiple submitters, no conflicts (2 of 4 stars). 11 submissions from 11 submitters: Benign (4); Likely benign (6). 1 of the submissions does not count toward it. Last evaluated 2026-02-02.

Conditions:
Polycystic kidney disease 4 (PKD4). Also called: POLYCYSTIC KIDNEY DISEASE 4 WITH OR WITHOUT POLYCYSTIC LIVER DISEASE; Autosomal Recessive Polycystic Kidney Disease – PKHD1; POLYCYSTIC KIDNEY AND HEPATIC DISEASE 1; POLYCYSTIC KIDNEY DISEASE, INFANTILE, TYPE I; PKD3. Identifiers: MedGen C4540575, MONDO:0033004, OMIM 263200.
Autosomal recessive polycystic kidney disease (ARPKD). Also called: AR polycystic kidney disease. Identifiers: Orphanet 731, Orphanet 8378, MedGen C0085548, MeSH D017044, MONDO:0009889.

Allele frequency attached by ClinVar (database versions not stated): gnomAD exomes 0.00122 and 0.00308; ExAC 0.00379; 1000 Genomes Project 0.00998; 1000 Genomes Project 30x 0.01109; gnomAD 0.01175 and 0.01262; TOPMed 0.01298; ESP Exome Variant Server 0.01346.
gnomAD v4.1: 3,674 of 1,613,502 alleles (0.23%); highest among the groups gnomAD compares: African/African-American, 4.1%; 66 homozygotes.

Submissions (11):

Labcorp Genetics (formerly Invitae), Labcorp
Classification: Benign for Autosomal recessive polycystic kidney disease. Last evaluated: 2026-02-02. Review status: criteria provided, single submitter. Criteria: Invitae Variant Classification Sherloc (09022015). Collection method: clinical testing. Allele origin: germline.

Mayo Clinic Laboratories, Mayo Clinic
Classification: Benign. Last evaluated: 2024-11-26. Review status: criteria provided, single submitter. Criteria: ACMG Guidelines, 2015. Collection method: clinical testing. Allele origin: germline. Observed: 17 variant alleles.
Comment: BS1, BS2

Blueprint Genetics
Classification: Likely benign. Last evaluated: 2024-11-01. Review status: criteria provided, single submitter. Criteria: ACMG Guidelines, 2015. Collection method: clinical testing. Allele origin: germline.

Department of Pathology and Laboratory Medicine, Sinai Health System
Classification: Likely benign for autosomal recessive polycystic kidney disease. Last evaluated: 2023-10-10. Review status: criteria provided, single submitter. Criteria: ACMG Guidelines, 2015. Collection method: clinical testing. Allele origin: germline.

Fulgent Genetics
Classification: Likely benign for Polycystic kidney disease 4. Last evaluated: 2021-07-21. Review status: criteria provided, single submitter. Criteria: ACMG Guidelines, 2015. Collection method: clinical testing. Allele origin: unknown.

GeneDx
Classification: Benign. Last evaluated: 2021-02-22. Review status: criteria provided, single submitter. Criteria: GeneDx Variant Classification Process June 2021. Collection method: clinical testing. Allele origin: germline. Affected: yes.
Comment: This variant is associated with the following publications: (PMID: 15698423, 15805161)

Illumina Laboratory Services, Illumina
Classification: Likely benign for Polycystic kidney disease 4. Last evaluated: 2018-01-13. Review status: criteria provided, single submitter. Criteria: ICSL Variant Classification Criteria 13 December 2019. Collection method: clinical testing. Allele origin: germline.
Comment: This variant was observed in the ICSL laboratory as part of a predisposition screen in an ostensibly healthy population. It had not been previously curated by ICSL or reported in the Human Gene Mutation Database (HGMD: prior to June 1st, 2018), and was therefore a candidate for classification through an automated scoring system. Utilizing variant allele frequency, disease prevalence and penetrance estimates, and inheritance mode, an automated score was calculated to assess if this variant is too frequent to cause the disease. Based on the score and internal cut-off values, a variant classified as likely benign is not then subjected to further curation. The score for this variant resulted in a classification of likely benign for this disease.

Women's Health and Genetics/Laboratory Corporation of America, LabCorp
Classification: Likely benign. Last evaluated: 2016-04-26. Review status: criteria provided, single submitter. Criteria: LabCorp Variant Classification Summary - May 2015. Collection method: clinical testing. Allele origin: germline.
Comment: Variant summary: The variant of interest is located at a non-conserved intronic position, not widely known to affect splicing with 3/5 in silico programs via Alamut predicting no significant effect on splicing, although these predictions have yet to be functionally assessed. The variant of interest was observed in the large, broad control population, ExAC, with an allele frequency 459/120956 (1/263 including 9 homozygotes), predominantly in the African cohort, 410/10276 (1/25 including 8 homozygotes), which exceeds the predicted maximum expected allele frequency for a pathogenic PKHD1 variant of 1/141. Therefore, suggesting that the variant of interest is a common polymorphism found in population(s) of African origin. The variant of interest has been found in affected individuals via publications, although with limited information (ie lack of co-occurrence and co-segregation data) and authors classify the variant as "polymorphism." In addition, a reputable clinical laboratory cites the variant with a "benign" classification. Therefore, taking all available lines of evidence into consideration, the variant of interest is classified as likely benign until additional information becomes available.

Breakthrough Genomics
Classification: Likely benign. Review status: criteria provided, single submitter. Criteria: ACMG Guidelines, 2015. Collection method: not provided. Allele origin: germline. Inheritance: Autosomal recessive inheritance. Affected: yes.

PreventionGenetics, part of Exact Sciences
Classification: Benign. Review status: criteria provided, single submitter. Criteria: ACMG Guidelines, 2015. Collection method: clinical testing. Allele origin: germline.

Natera, Inc.
Classification: Benign for Autosomal recessive polycystic kidney disease. Last evaluated: 2017-05-11. Review status: no assertion criteria provided. Collection method: clinical testing. Allele origin: germline. Not counted in ClinVar's aggregate classification.

Literature cited by the submitters: PubMed 15805161 (cited by Women's Health and Genetics/Laboratory Corporation of America, LabCorp); PubMed 15698423 (cited by Women's Health and Genetics/Laboratory Corporation of America, LabCorp).